The following is an entry in ClinVar:

NM_001457.4(FLNB):c.7259C>T (p.Thr2420Ile)

Genes: FLNB (filamin B; plus strand), FLNB-AS1 (FLNB antisense RNA 1; minus strand). Cytogenetic location: 3p14.3.
Variant type: single nucleotide variant.
Coding change: c.7259C>T on transcript NM_001457.4 (MANE Select); coding-DNA position 7259, C replaced by T.
Protein change: p.Thr2420Ile; replaces threonine 2420 with isoleucine.
Molecular consequence: missense variant.
Genome position (GRCh38, 1-based): chr3:58,168,500, C>T. VCF-style: chr3-58168500-C-T. GRCh37 (hg19) VCF-style: chr3-58154227-C-T.
Other names: c.7226C>T, p.Thr2409Ile (NM_001164318.2); c.7187C>T, p.Thr2396Ile (NM_001164319.2); c.7259C>T (NM_001457.3); c.7352C>T, p.Thr2451Ile (NM_001164317.2); short protein forms T2420I, T2396I, T2451I, T2409I.
Identifiers: ClinVar variation 3632518 (VCV003632518.3).

ClinVar aggregate classification (germline): Uncertain significance. Review status: criteria provided, multiple submitters, no conflicts (2 of 4 stars). 2 submissions from 2 submitters: Uncertain significance (2). Last evaluated 2026-02-02.

Conditions:
Inborn genetic diseases. Identifiers: MedGen C0950123, MeSH D030342.

Submissions (2):

Labcorp Genetics (formerly Invitae), Labcorp
Classification: Uncertain significance. Last evaluated: 2026-02-02. Review status: criteria provided, single submitter. Criteria: Invitae Variant Classification Sherloc (09022015). Collection method: clinical testing. Allele origin: germline.
Comment: This sequence change replaces threonine, which is neutral and polar, with isoleucine, which is neutral and non-polar, at codon 2420 of the FLNB protein (p.Thr2420Ile). This variant is not present in population databases (gnomAD no frequency). This variant has not been reported in the literature in individuals affected with FLNB-related conditions. ClinVar contains an entry for this variant (Variation ID: 3632518). Invitae Evidence Modeling of protein sequence and biophysical properties (such as structural, functional, and spatial information, amino acid conservation, physicochemical variation, residue mobility, and thermodynamic stability) indicates that this missense variant is not expected to disrupt FLNB protein function with a negative predictive value of 95%. In summary, the available evidence is currently insufficient to determine the role of this variant in disease. Therefore, it has been classified as a Variant of Uncertain Significance.

Ambry Genetics
Classification: Uncertain significance for Inborn genetic diseases. Last evaluated: 2025-08-04. Review status: criteria provided, single submitter. Criteria: Ambry Variant Classification Scheme 2023. Collection method: clinical testing. Allele origin: germline.